The following is an entry in ClinVar:

NM_015978.3(TNNI3K):c.235+3G>A

Genes: FPGT-TNNI3K (FPGT-TNNI3K readthrough; plus strand), TNNI3K (TNNI3 interacting kinase; plus strand). Cytogenetic location: 1p31.1.
Variant type: single nucleotide variant.
Coding change: c.235+3G>A on transcript NM_015978.3 (MANE Select); 3 bases into the intron after coding-DNA position 235, G replaced by A.
Molecular consequence: intron variant.
Genome position (GRCh38, 1-based): chr1:74,249,547, G>A. VCF-style: chr1-74249547-G-A. GRCh37 (hg19) VCF-style: chr1-74715231-G-A.
Other names: c.538+3G>A (NM_001112808.3, NM_001199327.2).
Identifiers: ClinVar variation 1934048 (VCV001934048.5), dbSNP rs767445454, ClinGen allele CA908810.

ClinVar aggregate classification (germline): Uncertain significance (1 of 4 stars; one submission).

Allele frequency attached by ClinVar (database versions not stated): ExAC 0.00002.
gnomAD v4.1: 6 of 1,613,168 alleles (0.00037%); highest among the groups gnomAD compares: South Asian, 0.0055%; no homozygotes.

Submission:

Labcorp Genetics (formerly Invitae), Labcorp
Classification: Uncertain significance. Last evaluated: 2022-01-28. Review status: criteria provided, single submitter. Criteria: Invitae Variant Classification Sherloc (09022015). Collection method: clinical testing. Allele origin: germline.
Comment: This variant is present in population databases (rs767445454, gnomAD 0.01%). This sequence change falls in intron 3 of the TNNI3K gene. It does not directly change the encoded amino acid sequence of the TNNI3K protein. It affects a nucleotide within the consensus splice site. In summary, the available evidence is currently insufficient to determine the role of this variant in disease. Therefore, it has been classified as a Variant of Uncertain Significance. Variants that disrupt the consensus splice site are a relatively common cause of aberrant splicing (PMID: 17576681, 9536098). Algorithms developed to predict the effect of sequence changes on RNA splicing suggest that this variant is not likely to affect RNA splicing. This variant has not been reported in the literature in individuals affected with TNNI3K-related conditions.

Literature cited by the submitters: PubMed 17576681; PubMed 9536098.